The following is an entry in ClinVar:

ClinVar aggregate classification (germline): Benign. Review status: criteria provided, multiple submitters, no conflicts (2 of 4 stars). 3 submissions from 3 submitters: Benign (2). 1 of the submissions does not count toward it. Last evaluated 2018-06-26.

Conditions:
SCRIB-related disorder. Also called: SCRIB-related condition.

Allele frequency attached by ClinVar (database versions not stated): gnomAD exomes 0.00605; ExAC 0.00770; 1000 Genomes Project 0.02336; gnomAD 0.02458 and 0.02649; 1000 Genomes Project 30x 0.02623; TOPMed 0.02712; ESP Exome Variant Server 0.02968.
gnomAD v4.1: 7,251 of 1,613,184 alleles (0.45%); highest among the groups gnomAD compares: African/African-American, 8.6%; 287 homozygotes.

Submissions (3):

Labcorp Genetics (formerly Invitae), Labcorp
Classification: Benign. Last evaluated: 2018-06-26. Review status: criteria provided, single submitter. Criteria: Invitae Variant Classification Sherloc (09022015). Collection method: clinical testing. Allele origin: germline.

Breakthrough Genomics
Classification: Benign. Review status: criteria provided, single submitter. Criteria: ACMG Guidelines, 2015. Collection method: not provided. Allele origin: germline. Inheritance: Unknown mechanism. Affected: yes.

PreventionGenetics, part of Exact Sciences
Classification: Benign for SCRIB-related condition. Last evaluated: 2019-05-07. Review status: no assertion criteria provided. Collection method: clinical testing. Allele origin: germline. Not counted in ClinVar's aggregate classification.
Comment: This variant is classified as benign based on ACMG/AMP sequence variant interpretation guidelines (Richards et al. 2015 PMID: 25741868, with internal and published modifications).

NM_182706.5(SCRIB):c.1476G>T (p.Arg492=)

Gene: SCRIB (scribble planar cell polarity protein; minus strand). Cytogenetic location: 8q24.3.
Variant type: single nucleotide variant.
Coding change: c.1476G>T on transcript NM_182706.5 (MANE Select); coding-DNA position 1476, G replaced by T.
Protein change: p.Arg492=; no amino-acid change (arginine 492 retained).
Molecular consequence: synonymous variant.
Genome position (GRCh38, 1-based): chr8:143,810,533, C>A on the plus strand (G>T on the coding strand, the complement: SCRIB is on the minus strand). VCF-style: chr8-143810533-C-A. GRCh37 (hg19) VCF-style: chr8-144892703-C-A.
Other names: c.1476G>T, p.Arg492= (NM_015356.5).
Identifiers: ClinVar variation 791170 (VCV000791170.6), dbSNP rs114102220, ClinGen allele CA187610692.